The following is an entry in ClinVar:

NM_000059.4(BRCA2):c.1940G>C (p.Cys647Ser)

Gene: BRCA2 (BRCA2 DNA repair associated; plus strand). Cytogenetic location: 13q13.1.
Variant type: single nucleotide variant.
Coding change: c.1940G>C on transcript NM_000059.4 (MANE Select); coding-DNA position 1940, G replaced by C.
Protein change: p.Cys647Ser; replaces cysteine 647 with serine.
Molecular consequence: missense variant.
Genome position (GRCh38, 1-based): chr13:32,336,295, G>C. VCF-style: chr13-32336295-G-C. GRCh37 (hg19) VCF-style: chr13-32910432-G-C.
Other names: short protein forms C647S.
Identifiers: ClinVar variation 630982 (VCV000630982.11), dbSNP rs1555282368, ClinGen allele CA387768361.

ClinVar aggregate classification (germline): Conflicting classifications of pathogenicity. Review status: criteria provided, conflicting classifications (1 of 4 stars). 4 submissions from 4 submitters: Uncertain significance (3); Likely benign (1). Last evaluated 2024-05-15.

Conditions:
Hereditary breast ovarian cancer syndrome. Also called: Hereditary breast and ovarian cancer; Hereditary breast and ovarian cancer syndrome (HBOC); Breast and ovarian cancer; Hereditary breast and ovarian cancer syndrome; BRCA1- and BRCA2-Associated Hereditary Breast and Ovarian Cancer; Hereditary breast and/or ovarian cancer syndrome. Identifiers: Orphanet 145, MedGen C0677776, MeSH D061325, MONDO:0003582. Disease mechanism: loss of function.
Hereditary cancer-predisposing syndrome. Also called: Tumor predisposition; Neoplastic Syndromes, Hereditary; Hereditary neoplastic syndrome; Hereditary Cancer Syndrome. Identifiers: Orphanet 140162, MedGen C0027672, MeSH D009386, MONDO:0015356.

Submissions (4):

Labcorp Genetics (formerly Invitae), Labcorp
Classification: Uncertain significance for Hereditary breast ovarian cancer syndrome. Last evaluated: 2024-05-15. Review status: criteria provided, single submitter. Criteria: Invitae Variant Classification Sherloc (09022015). Collection method: clinical testing. Allele origin: germline.
Comment: This sequence change replaces cysteine, which is neutral and slightly polar, with serine, which is neutral and polar, at codon 647 of the BRCA2 protein (p.Cys647Ser). This variant is not present in population databases (gnomAD no frequency). This variant has not been reported in the literature in individuals affected with BRCA2-related conditions. ClinVar contains an entry for this variant (Variation ID: 630982). Advanced modeling of protein sequence and biophysical properties (such as structural, functional, and spatial information, amino acid conservation, physicochemical variation, residue mobility, and thermodynamic stability) performed at Invitae indicates that this missense variant is not expected to disrupt BRCA2 protein function with a negative predictive value of 95%. In summary, the available evidence is currently insufficient to determine the role of this variant in disease. Therefore, it has been classified as a Variant of Uncertain Significance.

Color Diagnostics, LLC DBA Color Health
Classification: Uncertain significance for Hereditary cancer-predisposing syndrome. Last evaluated: 2023-12-05. Review status: criteria provided, single submitter. Criteria: ACMG Guidelines, 2015. Collection method: clinical testing. Allele origin: germline.
Comment: This missense variant replaces cysteine with serine at codon 647 of the BRCA2 protein. Computational prediction suggests that this variant may not impact protein structure and function (internally defined REVEL score threshold <= 0.5, PMID: 27666373). To our knowledge, functional studies have not been reported for this variant. This variant has not been reported in individuals affected with BRCA2-related disorders in the literature. This variant has not been identified in the general population by the Genome Aggregation Database (gnomAD). The available evidence is insufficient to determine the role of this variant in disease conclusively. Therefore, this variant is classified as a Variant of Uncertain Significance.

University of Washington Department of Laboratory Medicine, University of Washington
Classification: Likely benign for Hereditary cancer-predisposing syndrome. Last evaluated: 2023-03-23. Review status: criteria provided, single submitter. Criteria: Dines et al. (Genet Med. 2020). Collection method: curation. Allele origin: germline.
Comment: Missense variant in a coldspot region where missense variants are very unlikely to be pathogenic (PMID:31911673).

BRCA2 exon 11 coldspot. Reclassification based on statistical prior probability.

Ambry Genetics
Classification: Uncertain significance for Hereditary cancer-predisposing syndrome. Last evaluated: 2022-09-23. Review status: criteria provided, single submitter. Criteria: Ambry Variant Classification Scheme 2023. Collection method: clinical testing. Allele origin: germline.
Comment: The p.C647S variant (also known as c.1940G>C), located in coding exon 10 of the BRCA2 gene, results from a G to C substitution at nucleotide position 1940. The cysteine at codon 647 is replaced by serine, an amino acid with dissimilar properties. This amino acid position is conserved. In addition, this alteration is predicted to be tolerated by in silico analysis. Since supporting evidence is limited at this time, the clinical significance of this alteration remains unclear.